The following is an entry in ClinVar:

ClinVar aggregate classification (germline): Benign (1 of 4 stars; one submission).

Allele frequency attached by ClinVar (database versions not stated): 1000 Genomes Project 30x 0.00172; 1000 Genomes Project 0.00180; ESP Exome Variant Server 0.00319; TOPMed 0.00348; gnomAD 0.00526; gnomAD exomes 0.00541; ExAC 0.00599.
gnomAD v4.1: 8,641 of 1,608,584 alleles (0.54%); highest among the groups gnomAD compares: Non-Finnish European, 0.57%; 39 homozygotes.

Submission:

CeGaT Center for Human Genetics Tuebingen
Classification: Benign. Last evaluated: 2022-08-01. Review status: criteria provided, single submitter. Criteria: CeGaT Center For Human Genetics Tuebingen Variant Classification Criteria Version 2. Collection method: clinical testing. Allele origin: germline. Affected: yes. Observed: 1 variant allele.
Comment: KNDC1: BP4, BS1, BS2

NM_152643.8(KNDC1):c.2600C>T (p.Pro867Leu)

Gene: KNDC1 (kinase non-catalytic C-lobe domain containing 1; plus strand). Cytogenetic location: 10q26.3.
Variant type: single nucleotide variant.
Coding change: c.2600C>T on transcript NM_152643.8 (MANE Select); coding-DNA position 2600, C replaced by T.
Protein change: p.Pro867Leu; replaces proline 867 with leucine.
Molecular consequence: missense variant.
Genome position (GRCh38, 1-based): chr10:133,199,108, C>T. VCF-style: chr10-133199108-C-T. GRCh37 (hg19) VCF-style: chr10-135012612-C-T.
Other names: c.2600C>T, p.Pro867Leu (NM_033404.2); short protein forms P867L.
Identifiers: ClinVar variation 2641003 (VCV002641003.24), dbSNP rs199922097, ClinGen allele CA5760674.